The following is an entry in ClinVar:

ClinVar aggregate classification (germline): Conflicting classifications of pathogenicity. Review status: criteria provided, conflicting classifications (1 of 4 stars). 2 submissions from 2 submitters: Likely pathogenic (1); Uncertain significance (1). Last evaluated 2024-11-03.

Conditions:
Costello syndrome (CSTLO). Also called: FCS SYNDROME; FACIOCUTANEOSKELETAL SYNDROME; HRAS-Related Costello Syndrome. Identifiers: Orphanet 3071, MedGen C0587248, MONDO:0009026, OMIM 218040.

gnomAD v4.1: 1 of 1,613,308 alleles (0.000062%); highest among the groups gnomAD compares: Non-Finnish European, 0.000085%; no homozygotes.

Submissions (2):

Labcorp Genetics (formerly Invitae), Labcorp
Classification: Uncertain significance for Costello syndrome. Last evaluated: 2024-11-03. Review status: criteria provided, single submitter. Criteria: Invitae Variant Classification Sherloc (09022015). Collection method: clinical testing. Allele origin: germline.
Comment: This sequence change replaces arginine, which is basic and polar, with tryptophan, which is neutral and slightly polar, at codon 68 of the HRAS protein (p.Arg68Trp). This variant is not present in population databases (gnomAD no frequency). This missense change has been observed in individual(s) with left ventricular hypertrophy (PMID: 28002430). ClinVar contains an entry for this variant (Variation ID: 1406399). Invitae Evidence Modeling of protein sequence and biophysical properties (such as structural, functional, and spatial information, amino acid conservation, physicochemical variation, residue mobility, and thermodynamic stability) has been performed for this missense variant. However, the output from this modeling did not meet the statistical confidence thresholds required to predict the impact of this variant on HRAS protein function. Experimental studies are conflicting or provide insufficient evidence to determine the effect of this variant on HRAS function (PMID: 28002430). In summary, the available evidence is currently insufficient to determine the role of this variant in disease. Therefore, it has been classified as a Variant of Uncertain Significance.

GeneDx
Classification: Likely pathogenic. Last evaluated: 2022-12-14. Review status: criteria provided, single submitter. Criteria: GeneDx Variant Classification Process June 2021. Collection method: clinical testing. Allele origin: germline. Affected: yes.
Comment: Published functional studies demonstrate decreased ERK/ELK phosphorylation activity (Sana et al., 2016); In silico analysis supports that this missense variant has a deleterious effect on protein structure/function; Missense variants in this gene are often considered pathogenic (HGMD); Not observed at significant frequency in large population cohorts (gnomAD); This variant is associated with the following publications: (PMID: 28002430, 24077912)

Literature cited by the submitters: PubMed 28002430 (cited by Labcorp Genetics (formerly Invitae), Labcorp).

NM_005343.4(HRAS):c.202C>T (p.Arg68Trp)

Genes: LRRC56 (leucine rich repeat containing 56; plus strand), HRAS (HRas proto-oncogene, GTPase; minus strand). Cytogenetic location: 11p15.5.
Variant type: single nucleotide variant.
Coding change: c.202C>T on transcript NM_005343.4 (MANE Select); coding-DNA position 202, C replaced by T.
Protein change: p.Arg68Trp; replaces arginine 68 with tryptophan.
Molecular consequence: missense variant. On other transcripts: 5 prime UTR variant (1).
Genome position (GRCh38, 1-based): chr11:533,854, G>A on the plus strand (C>T on the coding strand, the complement: HRAS is on the minus strand). VCF-style: chr11-533854-G-A. GRCh37 (hg19) VCF-style: chr11-533854-G-A.
Other names: c.202C>T (NM_005343.2); c.202C>T, p.Arg68Trp (NM_001130442.3, NM_176795.5); c.-118C>T (NM_001318054.2); short protein forms R68W.
Identifiers: ClinVar variation 1406399 (VCV001406399.7), dbSNP rs1370690781, ClinGen allele CA378924631.